The following is an entry in ClinVar:

NM_024747.6(HPS6):c.1799C>T (p.Pro600Leu)

Gene: HPS6 (HPS6 biogenesis of lysosomal organelles complex 2 subunit 3; plus strand). Cytogenetic location: 10q24.32.
Variant type: single nucleotide variant.
Coding change: c.1799C>T on transcript NM_024747.6 (MANE Select); coding-DNA position 1799, C replaced by T.
Protein change: p.Pro600Leu; replaces proline 600 with leucine.
Molecular consequence: missense variant.
Genome position (GRCh38, 1-based): chr10:102,067,273, C>T. VCF-style: chr10-102067273-C-T. GRCh37 (hg19) VCF-style: chr10-103827030-C-T.
Other names: short protein forms P600L.
Identifiers: ClinVar variation 1909259 (VCV001909259.3), dbSNP rs1255456014, ClinGen allele CA377872343.

ClinVar aggregate classification (germline): Uncertain significance. Review status: criteria provided, multiple submitters, no conflicts (2 of 4 stars). 2 submissions from 2 submitters: Uncertain significance (2). Last evaluated 2025-06-10.

Conditions:
Inborn genetic diseases. Identifiers: MedGen C0950123, MeSH D030342.

Allele frequency attached by ClinVar (database versions not stated): gnomAD exomes 0.00001; TOPMed 0.00001.
gnomAD v4.1: 7 of 1,612,794 alleles (0.00043%); highest among the groups gnomAD compares: Non-Finnish European, 0.00059%; no homozygotes.

Submissions (2):

Ambry Genetics
Classification: Uncertain significance for Inborn genetic diseases. Last evaluated: 2025-06-10. Review status: criteria provided, single submitter. Criteria: Ambry Variant Classification Scheme 2023. Collection method: clinical testing. Allele origin: germline.

Labcorp Genetics (formerly Invitae), Labcorp
Classification: Uncertain significance. Last evaluated: 2022-10-24. Review status: criteria provided, single submitter. Criteria: Invitae Variant Classification Sherloc (09022015). Collection method: clinical testing. Allele origin: germline.
Comment: This sequence change replaces proline, which is neutral and non-polar, with leucine, which is neutral and non-polar, at codon 600 of the HPS6 protein (p.Pro600Leu). This variant is not present in population databases (gnomAD no frequency). This variant has not been reported in the literature in individuals affected with HPS6-related conditions. Advanced modeling of protein sequence and biophysical properties (such as structural, functional, and spatial information, amino acid conservation, physicochemical variation, residue mobility, and thermodynamic stability) performed at Invitae indicates that this missense variant is not expected to disrupt HPS6 protein function. In summary, the available evidence is currently insufficient to determine the role of this variant in disease. Therefore, it has been classified as a Variant of Uncertain Significance.